The following is an entry in ClinVar:

NM_000059.4(BRCA2):c.1057_1058del (p.Ser353fs)

Gene: BRCA2 (BRCA2 DNA repair associated; plus strand). Cytogenetic location: 13q13.1.
Variant type: Deletion.
Coding change: c.1057_1058del on transcript NM_000059.4 (MANE Select); coding-DNA positions 1057 to 1058, 2 bases deleted (TC; older notation c.1057_1058delTC).
Protein change: p.Ser353fs; shifts the reading frame from serine 353.
Molecular consequence: frameshift variant.
Genome position (GRCh38, 1-based): chr13:32,332,535-32,332,536, TC deleted; deleting any 2 consecutive bases within chr13:32,332,534-32,332,536 gives the same sequence; the c. name uses the placement nearest the transcript's 3' end. VCF-style (leftmost placement, unchanged base first): chr13-32332533-ACT-A. GRCh37 (hg19) VCF-style: chr13-32906670-ACT-A.
Other names: c.1057_1058delTC (NM_000059.3); short protein forms S353fs.
Identifiers: ClinVar variation 946054 (VCV000946054.10), dbSNP rs2072403503, ClinGen allele CA1139663103.
Genomic context (GRCh38, chr13:32,332,533, plus strand): 5'-TTTTCCATGAAGCAAACGCTGATGAATGTGAAAAATCTAAAAACCAAGTGAAAGAAAAAT[ACT>A]CATTTGTATCTGAAGTGGAACCAAATGATACTGATCCATTAGATTCAAATGTAGCAAATC-3'

ClinVar aggregate classification (germline): Pathogenic. Review status: criteria provided, multiple submitters, no conflicts (2 of 4 stars). 3 submissions from 3 submitters: Pathogenic (3). Last evaluated 2025-10-06.

Conditions:
Hereditary breast ovarian cancer syndrome. Also called: Hereditary breast and/or ovarian cancer syndrome; BRCA1- and BRCA2-Associated Hereditary Breast and Ovarian Cancer; Hereditary breast and ovarian cancer; Breast and ovarian cancer; Hereditary breast and ovarian cancer syndrome; Hereditary breast and ovarian cancer syndrome (HBOC). Identifiers: Orphanet 145, MedGen C0677776, MeSH D061325, MONDO:0003582. Disease mechanism: loss of function.
BRCA2-related cancer predisposition. Identifiers: MedGen CN377758, MONDO:0700269.
Hereditary cancer-predisposing syndrome. Also called: Neoplastic Syndromes, Hereditary; Hereditary neoplastic syndrome; Tumor predisposition; Hereditary Cancer Syndrome. Identifiers: Orphanet 140162, MedGen C0027672, MeSH D009386, MONDO:0015356.

Submissions (3):

Hema, HEMA – Genetic and Molecular Diagnostic Laboratory
Classification: Pathogenic for BRCA2-related cancer predisposition. Last evaluated: 2025-10-06. Review status: criteria provided, single submitter. Criteria: HEMA Variant Classification Assertion Criteria. Collection method: clinical testing. Allele origin: germline.
Comment: The c.1057_1058del variant is a two-nucleotide deletion that results in a frameshift in BRCA2. PVS1: Null variant (frameshift) in a gene for which loss of function is a known disease mechanism. It is a frameshift variant that introduces a premature stop codon in exon 10/27, which is predicted to lead to nonsense-mediated decay (NMD) of the transcript. PM5_Strong (PTC): Variant that introduces a stop codon in exon 10 of BRCA2.

Ambry Genetics
Classification: Pathogenic for Hereditary cancer-predisposing syndrome. Last evaluated: 2023-02-24. Review status: criteria provided, single submitter. Criteria: Ambry Variant Classification Scheme 2023. Collection method: clinical testing. Allele origin: germline.
Comment: The c.1057_1058delTC pathogenic mutation, located in coding exon 9 of the BRCA2 gene, results from a deletion of two nucleotides at nucleotide positions 1057 to 1058, causing a translational frameshift with a predicted alternate stop codon (p.S353Ifs*4). This variant is considered to be rare based on population cohorts in the Genome Aggregation Database (gnomAD). This alteration is expected to result in loss of function by premature protein truncation or nonsense-mediated mRNA decay. As such, this alteration is interpreted as a disease-causing mutation.

Labcorp Genetics (formerly Invitae), Labcorp
Classification: Pathogenic for Hereditary breast ovarian cancer syndrome. Last evaluated: 2022-12-21. Review status: criteria provided, single submitter. Criteria: Invitae Variant Classification Sherloc (09022015). Collection method: clinical testing. Allele origin: germline.
Comment: This variant has not been reported in the literature in individuals affected with BRCA2-related conditions. This sequence change creates a premature translational stop signal (p.Ser353Ilefs*4) in the BRCA2 gene. It is expected to result in an absent or disrupted protein product. Loss-of-function variants in BRCA2 are known to be pathogenic (PMID: 20104584). This variant is not present in population databases (gnomAD no frequency). ClinVar contains an entry for this variant (Variation ID: 946054). For these reasons, this variant has been classified as Pathogenic.

Literature cited by the submitters: PubMed 20104584 (cited by Labcorp Genetics (formerly Invitae), Labcorp).